The following is an entry in ClinVar:

NM_000069.3(CACNA1S):c.3026C>A (p.Thr1009Lys)

Gene: CACNA1S (calcium voltage-gated channel subunit alpha1 S; minus strand). Cytogenetic location: 1q32.1.
Variant type: single nucleotide variant.
Coding change: c.3026C>A on transcript NM_000069.3 (MANE Select); coding-DNA position 3026, C replaced by A.
Protein change: p.Thr1009Lys; replaces threonine 1009 with lysine.
Molecular consequence: missense variant.
Genome position (GRCh38, 1-based): chr1:201,061,971, G>T on the plus strand (C>A on the coding strand, the complement: CACNA1S is on the minus strand). VCF-style: chr1-201061971-G-T. GRCh37 (hg19) VCF-style: chr1-201031099-G-T.
Other names: short protein forms T1009K.
Identifiers: ClinVar variation 1206709 (VCV001206709.5), dbSNP rs200224590, ClinGen allele CA079484.
Genomic context (GRCh38, chr1:201,061,971, plus strand): 5'-CCATGAGGGACCTAGGCCCCAGCCATCACTCACTGAGGCCATCCCTCGAAGGTGGAGACC[G>T]TGAAGAGGGACATCATGGCTGAGAGCACATTGTCGAAGTGGAAGTCGCTGTGTACCCACT-3'
Protein context (NP_000060.2, residues 999-1019): NVLSAMMSLF[Thr1009Lys]VSTFEGWPQL

ClinVar aggregate classification (germline): Uncertain significance. Review status: criteria provided, multiple submitters, no conflicts (2 of 4 stars). 3 submissions from 3 submitters: Uncertain significance (3). Last evaluated 2023-11-30.

Conditions:
Malignant hyperthermia, susceptibility to, 5 (MHS5). Also called: CACNA1S-Related Malignant Hyperthermia Susceptibility. Identifiers: Orphanet 423, MedGen C1866077, MONDO:0011163, OMIM 601887.

gnomAD v4.1: 24 of 1,614,088 alleles (0.0015%); highest among the groups gnomAD compares: Non-Finnish European, 0.0019%; no homozygotes.

Submissions (3):

All of Us Research Program, National Institutes of Health
Classification: Uncertain significance for Malignant hyperthermia, susceptibility to, 5. Last evaluated: 2023-11-30. Review status: criteria provided, single submitter. Criteria: ACMG Guidelines, 2015. Collection method: clinical testing. Allele origin: germline. Inheritance: Autosomal dominant inheritance. Observed: 2 variant alleles, 2 heterozygotes.
Comment: This missense variant replaces threonine with lysine at codon 1009 of the CACNA1S protein. Computational prediction suggests that this variant may have deleterious impact on protein structure and function (internally defined REVEL score threshold >= 0.7, PMID: 27666373). To our knowledge, functional studies have not been reported for this variant. This variant has been reported in individuals affected with malignant hyperthermia susceptibility, as well as in unaffected individuals (PMID: 24013571, 25658027, 30236257). Family studies have reported inconclusive segregation evidence: this variant has been reported in nine affected individuals in two families and has also been observed in three unaffected relatives (PMID: 24013571, 25658027). This variant has been identified in 3/251374 chromosomes in the general population by the Genome Aggregation Database (gnomAD). The available evidence is insufficient to determine the role of this variant in disease conclusively. Therefore, this variant is classified as a Variant of Uncertain Significance.

This study involves interpretation of variants in research participants for the purpose of population health screening. Participant phenotype was not available at the time of variant classification. Additional details can be found in publication PMID: 35346344, PMCID: PMC8962531

Color Diagnostics, LLC DBA Color Health
Classification: Uncertain significance for Malignant hyperthermia, susceptibility to, 5. Last evaluated: 2023-09-11. Review status: criteria provided, single submitter. Criteria: ACMG Guidelines, 2015. Collection method: clinical testing. Allele origin: germline.
Comment: This missense variant replaces threonine with lysine at codon 1009 of the CACNA1S protein. Computational prediction suggests that this variant may have deleterious impact on protein structure and function. To our knowledge, functional studies have not been reported for this variant. This variant has been reported in individuals affected with malignant hyperthermia susceptibility, as well as in unaffected individuals (PMID: 24013571, 25658027, 30236257). Family studies have reported inconclusive segregation evidence: this variant has been reported in nine affected individuals in two families and has also been observed in three unaffected relatives (PMID: 24013571, 25658027). This variant has been identified in 3/251374 chromosomes in the general population by the Genome Aggregation Database (gnomAD). The available evidence is insufficient to determine the role of this variant in disease conclusively. Therefore, this variant is classified as a Variant of Uncertain Significance.

GeneDx
Classification: Uncertain significance. Last evaluated: 2020-09-08. Review status: criteria provided, single submitter. Criteria: GeneDx Variant Classification Process June 2021. Collection method: clinical testing. Allele origin: germline. Affected: yes.
Comment: Not observed at a significant frequency in large population cohorts (Lek et al., 2016); In silico analysis supports that this missense variant has a deleterious effect on protein structure/function; In silico analysis, which includes splice predictors and evolutionary conservation, suggests this variant may impact gene splicing. In the absence of RNA/functional studies, the actual effect of this sequence change is unknown.; Reported previously in two unrelated families with malignant hyperthermia, however, unaffected individuals from both families also harbored the T1009K variant (Kim et al., 2013; Fiszer et al., 2015); This variant is associated with the following publications: (PMID: 31559918, 30236257, 24013571, 25658027)

Literature cited by the submitters: PubMed 24013571 (cited by All of Us Research Program, National Institutes of Health and Color Diagnostics, LLC DBA Color Health); PubMed 25658027 (cited by All of Us Research Program, National Institutes of Health and Color Diagnostics, LLC DBA Color Health); PubMed 30236257 (cited by All of Us Research Program, National Institutes of Health and Color Diagnostics, LLC DBA Color Health).